The following is an entry in ClinVar:

ClinVar aggregate classification (germline): Likely benign. Review status: criteria provided, single submitter (1 of 4 stars). 2 submissions from 2 submitters: Likely benign (1). 1 of the submissions does not count toward it. Last evaluated 2026-02-01.

Conditions:
FMN2-related disorder. Also called: FMN2-related condition.

Allele frequency attached by ClinVar (database versions not stated): ExAC 0.00031.

Submissions (2):

CeGaT Center for Human Genetics Tuebingen
Classification: Likely benign. Last evaluated: 2026-02-01. Review status: criteria provided, single submitter. Criteria: CeGaT Center For Human Genetics Tuebingen Variant Classification Criteria Version 2. Collection method: clinical testing. Allele origin: germline. Affected: yes. Observed: 1 variant allele.
Comment: FMN2: BP4, BP7

PreventionGenetics, part of Exact Sciences
Classification: Likely benign for FMN2-related condition. Last evaluated: 2020-08-06. Review status: no assertion criteria provided. Collection method: clinical testing. Allele origin: germline. Not counted in ClinVar's aggregate classification.
Comment: This variant is classified as likely benign based on ACMG/AMP sequence variant interpretation guidelines (Richards et al. 2015 PMID: 25741868, with internal and published modifications).

NM_020066.5(FMN2):c.3471T>A (p.Leu1157=)

Gene: FMN2 (formin 2; plus strand). Cytogenetic location: 1q43.
Variant type: single nucleotide variant.
Coding change: c.3471T>A on transcript NM_020066.5 (MANE Select); coding-DNA position 3471, T replaced by A.
Protein change: p.Leu1157=; no amino-acid change (leucine 1157 retained).
Molecular consequence: synonymous variant. On other transcripts: intron variant (1).
Genome position (GRCh38, 1-based): chr1:240,208,283, T>A. VCF-style: chr1-240208283-T-A. GRCh37 (hg19) VCF-style: chr1-240371583-T-A.
Other names: c.3483T>A, p.Leu1161= (NM_001305424.2); c.1986+20021T>A (NM_001348094.2).
Identifiers: ClinVar variation 3036393 (VCV003036393.6), dbSNP rs1181038137, ClinGen allele CA1477199.